The following is an entry in ClinVar:

ClinVar aggregate classification (germline): Uncertain significance (1 of 4 stars; one submission).

Allele frequency attached by ClinVar (database versions not stated): gnomAD exomes 0.00001.
gnomAD v4.1: 3 of 1,613,846 alleles (0.00019%); highest among the groups gnomAD compares: Admixed American, 0.005%; no homozygotes.

Submission:

Labcorp Genetics (formerly Invitae), Labcorp
Classification: Uncertain significance. Last evaluated: 2022-03-03. Review status: criteria provided, single submitter. Criteria: Invitae Variant Classification Sherloc (09022015). Collection method: clinical testing. Allele origin: germline.
Comment: This sequence change replaces leucine, which is neutral and non-polar, with proline, which is neutral and non-polar, at codon 1015 of the LTBP2 protein (p.Leu1015Pro). This variant is not present in population databases (gnomAD no frequency). This variant has not been reported in the literature in individuals affected with LTBP2-related conditions. Algorithms developed to predict the effect of missense changes on protein structure and function (SIFT, PolyPhen-2, Align-GVGD) all suggest that this variant is likely to be disruptive. In summary, the available evidence is currently insufficient to determine the role of this variant in disease. Therefore, it has been classified as a Variant of Uncertain Significance.

NM_000428.3(LTBP2):c.3044T>C (p.Leu1015Pro)

Gene: LTBP2 (latent transforming growth factor beta binding protein 2; minus strand). Cytogenetic location: 14q24.3.
Variant type: single nucleotide variant.
Coding change: c.3044T>C on transcript NM_000428.3 (MANE Select); coding-DNA position 3044, T replaced by C.
Protein change: p.Leu1015Pro; replaces leucine 1015 with proline.
Molecular consequence: missense variant.
Genome position (GRCh38, 1-based): chr14:74,510,198, A>G on the plus strand (T>C on the coding strand, the complement: LTBP2 is on the minus strand). VCF-style: chr14-74510198-A-G. GRCh37 (hg19) VCF-style: chr14-74976901-A-G.
Other names: short protein forms L1015P.
Identifiers: ClinVar variation 1478876 (VCV001478876.5), dbSNP rs2139697135, ClinGen allele CA390389907.